The following is an entry in ClinVar:

ClinVar aggregate classification (germline): Pathogenic/Likely pathogenic. Review status: criteria provided, multiple submitters, no conflicts (2 of 4 stars). 7 submissions from 7 submitters: Pathogenic (2); Likely pathogenic (4). 1 of the submissions does not count toward it. Last evaluated 2025-09-16.

Conditions:
Congenital myasthenic syndrome (CMS). Also called: Congenital Myasthenic Syndromes. Identifiers: Orphanet 590, MedGen C0751882, MeSH D020294, MONDO:0018940.
Congenital myasthenic syndrome 12 (CMS12). Also called: MYASTHENIC SYNDROME, CONGENITAL, WITH TUBULAR AGGREGATES 1; Myasthenia, congenital, 12, with tubular aggregates. Identifiers: Orphanet 353327, Orphanet 590, MedGen C3552335, MONDO:0012518, OMIM 610542.

Allele frequency attached by ClinVar (database versions not stated): 1000 Genomes Project 0.00020; TOPMed 0.00029; gnomAD 0.00030; gnomAD exomes 0.00003 and 0.00014; ExAC 0.00007; 1000 Genomes Project 30x 0.00016.
gnomAD v4.1: 91 of 1,613,956 alleles (0.0056%); highest among the groups gnomAD compares: Admixed American, 0.1%; no homozygotes.

Submissions (7):

Kariminejad - Najmabadi Pathology & Genetics Center
Classification: Likely pathogenic for Congenital myasthenic syndrome 12. Last evaluated: 2025-09-16. Review status: criteria provided, single submitter. Criteria: ACMG Guidelines, 2015. Collection method: clinical testing. Allele origin: germline. Inheritance: Autosomal recessive inheritance. Affected: yes.
Comment: PP5, PM5, PM1, PM2-Supporting, PM3

Labcorp Genetics (formerly Invitae), Labcorp
Classification: Pathogenic for Congenital myasthenic syndrome 12. Last evaluated: 2025-08-26. Review status: criteria provided, single submitter. Criteria: Invitae Variant Classification Sherloc (09022015). Collection method: clinical testing. Allele origin: germline.
Comment: This sequence change replaces arginine, which is basic and polar, with cysteine, which is neutral and slightly polar, at codon 111 of the GFPT1 protein (p.Arg111Cys). This variant is present in population databases (rs201322234, gnomAD 0.06%). This missense change has been observed in individual(s) with congenital myasthenic syndrome (PMID: 21310273, 23794683, 28712002). In at least one individual the data is consistent with being in trans (on the opposite chromosome) from a pathogenic variant. It has also been observed to segregate with disease in related individuals. ClinVar contains an entry for this variant (Variation ID: 29735). Invitae Evidence Modeling of protein sequence and biophysical properties (such as structural, functional, and spatial information, amino acid conservation, physicochemical variation, residue mobility, and thermodynamic stability) indicates that this missense variant is not expected to disrupt GFPT1 protein function with a negative predictive value of 80%. For these reasons, this variant has been classified as Pathogenic.

3billion
Classification: Likely pathogenic for Congenital myasthenic syndrome 12. Last evaluated: 2025-08-25. Review status: criteria provided, single submitter. Criteria: ACMG Guidelines, 2015. Collection method: clinical testing. Allele origin: germline. Affected: yes.
Comment: The variant is observed at an extremely low frequency in the gnomAD v4.1.0 dataset (total allele frequency: 0.006%). Predicted Consequence/Location: Missense variant In silico tool predictions suggest damaging effect of the variant on gene or gene product [REVEL: 0.70 (>=0.6, sensitivity 0.68 and specificity 0.92)]. The same nucleotide change resulting in the same amino acid change has been previously reported as pathogenic/likely pathogenic with strong evidence (ClinVar ID: VCV000029735 /3billion dataset). A different missense change at the same codon (p.Arg111His) has been reported as pathogenic/likely pathogenic with strong evidence (ClinVar ID: VCV001073321). Therefore, this variant is classified as Likely pathogenic according to the recommendation of ACMG/AMP guideline.

Women's Health and Genetics/Laboratory Corporation of America, LabCorp
Classification: Pathogenic for Congenital myasthenic syndrome. Last evaluated: 2024-06-25. Review status: criteria provided, single submitter. Criteria: LabCorp Variant Classification Summary - May 2015. Collection method: clinical testing. Allele origin: germline.
Comment: Variant summary: GFPT1 c.331C>T (p.Arg111Cys) results in a non-conservative amino acid change located in the glutamine amidotransferase type 2 domain (IPR017932) of the encoded protein sequence. Three of five in-silico tools predict a benign effect of the variant on protein function. The variant allele was found at a frequency of 0.00014 in 251416 control chromosomes. This frequency is not significantly higher than estimated for a pathogenic variant in GFPT1 causing Congenital Myasthenic Syndrome (0.00014 vs 0.0005), allowing no conclusion about variant significance. c.331C>T has been reported in the literature in the homozygous and compound heterozygous states in multiple individuals affected with Congenital Myasthenic Syndrome and segregated with disease in at least one family (e.g. Senderek_2011, Jiang_2022). These data indicate that the variant is very likely to be associated with disease. At least one in vitro study in HEK293 cells showed that this variant resulted in enzyme activity and subcellular localization that was similar to wildtype, however, it does not allow convincing conclusions about the variant effect (e.g. Senderek_2011). The following publications have been ascertained in the context of this evaluation (PMID: 34978387, 21310273). ClinVar contains an entry for this variant (Variation ID: 29735). Based on the evidence outlined above, the variant was classified as pathogenic.

CeGaT Center for Human Genetics Tuebingen
Classification: Likely pathogenic. Last evaluated: 2019-08-01. Review status: criteria provided, single submitter. Criteria: CeGaT Center For Human Genetics Tuebingen Variant Classification Criteria Version 2. Collection method: clinical testing. Allele origin: germline. Affected: yes. Observed: 1 variant allele.

Illumina Laboratory Services, Illumina
Classification: Likely pathogenic for Congenital myasthenic syndrome 12. Last evaluated: 2018-03-02. Review status: criteria provided, single submitter. Criteria: ICSL Variant Classification Criteria 09 May 2019. Collection method: clinical testing. Allele origin: germline.
Comment: The GFPT1 c.331C>T (p.Arg111Cys) missense variant has been reported in two studies and identified in nine individuals with congenital myasthenic syndrome, including in six homozygotes and in three compound heterozygotes, from four unrelated families (Senderek et al. 2011; Bauche et al. 2017). Segregation data from the families was consistent with autosomal recessive inheritance. The p.Arg111Cys variant was absent from at least 240 controls but is reported at a frequency of 0.000566 in the Latino population of the Genome Aggregation Database. In addition, Bauche et al. (2017) identified four unrelated affected individuals that carried a different amino acid change at the same residue (p.Arg111His) in a compound heterozygous state, suggesting that the Arg111 codon may be a mutational hot spot. Based on the evidence, the p.Arg111Cys variant is classified as likely pathogenic for congenital myasthenic syndrome. This variant was observed by ICSL as part of a predisposition screen in an ostensibly healthy population.

OMIM
Classification: Pathogenic for MYASTHENIC SYNDROME, CONGENITAL, 12. Last evaluated: 2011-02-11. Review status: no assertion criteria provided. Collection method: literature only. Allele origin: germline. Not counted in ClinVar's aggregate classification.

Literature cited by the submitters: PubMed 21310273 (cited by 4 submitters); PubMed 23794683 (cited by Labcorp Genetics (formerly Invitae), Labcorp); PubMed 28712002 (cited by Labcorp Genetics (formerly Invitae), Labcorp and Illumina Laboratory Services, Illumina); PubMed 34978387 (cited by Women's Health and Genetics/Laboratory Corporation of America, LabCorp); PubMed 8664562 (cited by OMIM).

NM_001244710.2(GFPT1):c.331C>T (p.Arg111Cys)

Gene: GFPT1 (glutamine--fructose-6-phosphate transaminase 1; minus strand). Cytogenetic location: 2p13.3.
Variant type: single nucleotide variant.
Coding change: c.331C>T on transcript NM_001244710.2 (MANE Select); coding-DNA position 331, C replaced by T.
Protein change: p.Arg111Cys; replaces arginine 111 with cysteine.
Molecular consequence: missense variant.
Genome position (GRCh38, 1-based): chr2:69,363,563, G>A on the plus strand (C>T on the coding strand, the complement: GFPT1 is on the minus strand). VCF-style: chr2-69363563-G-A. GRCh37 (hg19) VCF-style: chr2-69590695-G-A.
Other names: c.331C>T, p.Arg111Cys (NM_002056.4); short protein forms R111C.
Identifiers: ClinVar variation 29735 (VCV000029735.60), dbSNP rs201322234, ClinGen allele CA128605.
Genomic context (GRCh38, chr2:69,363,563, plus strand): 5'-GGTTTCCACAATCATTCCAAAGCACAAAAAATCTTTCCATACCATTATTTTTATCAGAGC[G>A]CTGGGGGTGGCTATTGACAGGACTGGGTTCTCCATGTGTTGCCCAACGGGTATGAGCTAT-3'
Protein context (NP_001231639.1, residues 101-121): EPSPVNSHPQ[Arg111Cys]SDKNNEFIVI